The following is an entry in ClinVar:

NM_004960.4(FUS):c.493_498del (p.Ser165_Gly166del)

Gene: FUS (FUS RNA binding protein; plus strand). Cytogenetic location: 16p11.2.
Variant type: Deletion.
Coding change: c.493_498del on transcript NM_004960.4 (MANE Select); coding-DNA positions 493 to 498, 6 bases deleted (AGTGGT; older notation c.493_498delAGTGGT).
Protein change: p.Ser165_Gly166del.
Molecular consequence: inframe deletion. On other transcripts: non-coding transcript variant (1).
Genome position (GRCh38, 1-based): chr16:31,184,366-31,184,371, AGTGGT deleted. VCF-style (leftmost placement, unchanged base first): chr16-31184365-CAGTGGT-C. GRCh37 (hg19) VCF-style: chr16-31195686-CAGTGGT-C.
Other names: c.490_495del, p.Ser164_Gly165del (NM_001170634.1); c.493_498del, p.Ser165_Gly166del (NM_001170937.1); c.493_498delAGTGGT (NM_004960.4).
Identifiers: ClinVar variation 3233563 (VCV003233563.2), dbSNP rs1488294034, ClinGen allele CA494928569.

ClinVar aggregate classification (germline): Uncertain significance (1 of 4 stars; one submission).

Allele frequency attached by ClinVar (database versions not stated): gnomAD 0.00001; gnomAD exomes 0.00001.

Submission:

Women's Health and Genetics/Laboratory Corporation of America, LabCorp
Classification: Uncertain significance. Last evaluated: 2024-03-08. Review status: criteria provided, single submitter. Criteria: LabCorp Variant Classification Summary - May 2015. Collection method: clinical testing. Allele origin: germline.
Comment: Variant summary: FUS c.493_498delAGTGGT (p.Ser165_Gly166del) results in an in-frame deletion that is predicted to remove two amino acids from the encoded protein. The variant allele was found at a frequency of 1.2e-05 in 251428 control chromosomes. The available data on variant occurrences in the general population are insufficient to allow any conclusion about variant significance. To our knowledge, no occurrence of c.493_498delAGTGGT in individuals affected with FUS-Related Disorders and no experimental evidence demonstrating its impact on protein function have been reported. No submitters have cited clinical-significance assessments for this variant to ClinVar. Based on the evidence outlined above, the variant was classified as uncertain significance.